The following is an entry in ClinVar:

ClinVar aggregate classification (germline): Benign. Review status: reviewed by expert panel (3 of 4 stars). 11 submissions from 11 submitters: Benign (1). 10 of the submissions do not count toward it. Last evaluated 2017-04-18.

Conditions:
Noonan syndrome and Noonan-related syndrome. Identifiers: Orphanet 98733, MedGen C5681679, MONDO:0020297.
Cardiovascular phenotype. Identifiers: MedGen CN230736.
RASopathy. Also called: rasopathies; Noonan spectrum disorder. Identifiers: Orphanet 536391, MedGen C5555857, MONDO:0021060.
LEOPARD syndrome 3 (LPRD3). Identifiers: Orphanet 500, MedGen C3150971, MONDO:0013380, OMIM 613707.

Allele frequency attached by ClinVar (database versions not stated): gnomAD 0.00003 and 0.00011; TOPMed 0.00010; gnomAD exomes 0.00013 and 0.00028; ESP Exome Variant Server 0.00015; ExAC 0.00030; 1000 Genomes Project 0.00080; 1000 Genomes Project 30x 0.00094.
gnomAD v4.1: 225 of 1,614,110 alleles (0.014%); highest among the groups gnomAD compares: South Asian, 0.16%; 2 homozygotes.

Submissions (11):

ClinGen RASopathy Variant Curation Expert Panel
Classification: Benign for Noonan syndrome and Noonan-related syndrome. Last evaluated: 2017-04-18. Review status: reviewed by expert panel. Criteria: ClinGen RASopathy ACMG Specifications v1. Collection method: curation. Allele origin: germline. Inheritance: Autosomal dominant inheritance.
Comment: The filtering allele frequency of the c.1068A>G (p.Gln356=) variant in the BRAF gene is 0.115% (27/16512) of South Asian chromosomes by the Exome Aggregation Consortium, which is a high enough frequency to be classified as benign based on thresholds defined by the ClinGen RASopathy Expert Panel (BA1; PMID:29493581)

CeGaT Center for Human Genetics Tuebingen
Classification: Likely benign. Last evaluated: 2026-03-01. Review status: criteria provided, single submitter. Criteria: CeGaT Center For Human Genetics Tuebingen Variant Classification Criteria Version 2. Collection method: clinical testing. Allele origin: germline. Affected: yes. Observed: 6 variant alleles. Not counted in ClinVar's aggregate classification.
Comment: BRAF: BP4, BP7

Labcorp Genetics (formerly Invitae), Labcorp
Classification: Benign for RASopathy. Last evaluated: 2026-02-01. Review status: criteria provided, single submitter. Criteria: Invitae Variant Classification Sherloc (09022015). Collection method: clinical testing. Allele origin: germline. Not counted in ClinVar's aggregate classification.

ARUP Laboratories, Molecular Genetics and Genomics, ARUP Laboratories
Classification: Benign. Last evaluated: 2025-03-26. Review status: criteria provided, single submitter. Criteria: ARUP Molecular Germline Variant Investigation Process 2024. Collection method: clinical testing. Allele origin: germline. Not counted in ClinVar's aggregate classification.

Blueprint Genetics
Classification: Likely benign. Last evaluated: 2024-10-11. Review status: criteria provided, single submitter. Criteria: ACMG Guidelines, 2015. Collection method: clinical testing. Allele origin: germline. Not counted in ClinVar's aggregate classification.

Ambry Genetics
Classification: Likely benign for Cardiovascular phenotype. Last evaluated: 2024-02-18. Review status: criteria provided, single submitter. Criteria: Ambry Variant Classification Scheme 2023. Collection method: clinical testing. Allele origin: germline. Not counted in ClinVar's aggregate classification.

Genome Diagnostics Laboratory, The Hospital for Sick Children
Classification: Benign for Noonan syndrome and Noonan-related syndrome. Last evaluated: 2020-09-14. Review status: criteria provided, single submitter. Criteria: ACMG Guidelines, 2015. Collection method: clinical testing. Allele origin: germline. Not counted in ClinVar's aggregate classification.

GeneDx
Classification: Benign. Last evaluated: 2018-12-10. Review status: criteria provided, single submitter. Criteria: GeneDx Variant Classification Process June 2021. Collection method: clinical testing. Allele origin: germline. Affected: yes. Not counted in ClinVar's aggregate classification.

Women's Health and Genetics/Laboratory Corporation of America, LabCorp
Classification: Benign. Last evaluated: 2018-04-02. Review status: criteria provided, single submitter. Criteria: LabCorp Variant Classification Summary - May 2015. Collection method: clinical testing. Allele origin: germline. Not counted in ClinVar's aggregate classification.
Comment: Variant summary: BRAF c.1068A>G alters a non-conserved nucleotide resulting in a synonymous change. 4/5 computational tools predict no significant impact on normal splicing. However, these predictions have yet to be confirmed by functional studies. The variant allele was found at a frequency of 0.00026 in 277200 control chromosomes in the gnomAD database, including 1 homozygotes. The observed variant frequency is approximately 105.34 fold of the estimated maximal expected allele frequency for a pathogenic variant in BRAF causing Noonan Syndrome and Related Conditions phenotype (2.5e-06), strongly suggesting that the variant is benign. To our knowledge, no occurrence of c.1068A>G in individuals affected with Noonan Syndrome and Related Conditions and no experimental evidence demonstrating its impact on protein function have been reported. Two clinical diagnostic laboratories have submitted clinical-significance assessments for this variant to ClinVar after 2014 without evidence for independent evaluation and classified the variant as benign/likely benign. Based on the evidence outlined above, the variant was classified as benign.

Illumina Laboratory Services, Illumina
Classification: Benign for LEOPARD syndrome 3. Last evaluated: 2018-01-13. Review status: criteria provided, single submitter. Criteria: ICSL Variant Classification Criteria 13 December 2019. Collection method: clinical testing. Allele origin: germline. Not counted in ClinVar's aggregate classification.
Comment: This variant was observed in the ICSL laboratory as part of a predisposition screen in an ostensibly healthy population. It had not been previously curated by ICSL or reported in the Human Gene Mutation Database (HGMD: prior to June 1st, 2018), and was therefore a candidate for classification through an automated scoring system. Utilizing variant allele frequency, disease prevalence and penetrance estimates, and inheritance mode, an automated score was calculated to assess if this variant is too frequent to cause the disease. Based on the score and internal cut-off values, a variant classified as benign is not then subjected to further curation. The score for this variant resulted in a classification of benign for this disease.

Laboratory for Molecular Medicine, Mass General Brigham Personalized Medicine
Classification: Likely benign. Last evaluated: 2008-11-04. Review status: criteria provided, single submitter. Criteria: LMM Criteria. Collection method: clinical testing. Allele origin: germline. Observed: 4 variant alleles. Not counted in ClinVar's aggregate classification.
Comment: Gln356Gln in exon 8 of BRAF: This variant is not expected to have clinical signi ficance because it does not alter an amino acid residue, is not located near a s plice junction, and has been identified in <1% of chromosomes from a broad but c linically and racially unspecified population (dbSNP rs143335467).

NM_004333.6(BRAF):c.1068A>G (p.Gln356=)

Genes: BRAF (B-Raf proto-oncogene, serine/threonine kinase; minus strand), LOC126860202 (BRD4-independent group 4 enhancer GRCh37_chr7:140493623-140494822; plus strand). Cytogenetic location: 7q34.
Variant type: single nucleotide variant.
Coding change: c.1068A>G on transcript NM_004333.6 (MANE Select); coding-DNA position 1068, A replaced by G.
Protein change: p.Gln356=; no amino-acid change (glutamine 356 retained).
Molecular consequence: synonymous variant.
Genome position (GRCh38, 1-based): chr7:140,794,380, T>C on the plus strand (A>G on the coding strand, the complement: BRAF is on the minus strand). VCF-style: chr7-140794380-T-C. GRCh37 (hg19) VCF-style: chr7-140494180-T-C.
Other names: NM_004333.4(BRAF):c.1068A>G; c.1068A>G, p.Gln356= (NM_001354609.2, NM_001374244.1, NM_001374258.1 and 4 more transcripts); c.1077A>G, p.Gln359= (NM_001378467.1); c.966A>G, p.Gln322= (NM_001378470.1); c.912A>G, p.Gln304= (NM_001378472.1, NM_001378473.1); c.804A>G, p.Gln268= (NM_001378475.1).
Identifiers: ClinVar variation 44788 (VCV000044788.51), dbSNP rs143335467, ClinGen allele CA135028.
Genomic context (GRCh38, chr7:140,794,380, plus strand): 5'-AGGTTCTATTGTGTTTATATGCACATTGGGAGCTGATGAGGATCGGTCTCGTTGCCCAAA[T>C]TGATTTCGATGATCTTCATCTGCTGGTCGGAAGGGCTGTGGAATTGGAATGGATTTTGAA-3'
Protein context (NP_004324.2, residues 346-366): FRPADEDHRN[Gln356=]FGQRDRSSSA